The following is an entry in ClinVar:

NM_001389.5(DSCAM):c.4380G>T (p.Gly1460=)

Gene: DSCAM (DS cell adhesion molecule; minus strand). Cytogenetic location: 21q22.2.
Variant type: single nucleotide variant.
Coding change: c.4380G>T on transcript NM_001389.5 (MANE Select); coding-DNA position 4380, G replaced by T.
Protein change: p.Gly1460=; no amino-acid change (glycine 1460 retained).
Molecular consequence: synonymous variant. On other transcripts: non-coding transcript variant (1).
Genome position (GRCh38, 1-based): chr21:40,080,192, C>A on the plus strand (G>T on the coding strand, the complement: DSCAM is on the minus strand). VCF-style: chr21-40080192-C-A. GRCh37 (hg19) VCF-style: chr21-41452119-C-A.
Other names: c.4380G>T, p.Gly1460= (NM_001271534.3, NM_206887.1).
Identifiers: ClinVar variation 3239122 (VCV003239122.19), dbSNP rs200427833.

ClinVar aggregate classification (germline): Likely benign (1 of 4 stars; one submission).

Allele frequency attached by ClinVar (database versions not stated): gnomAD exomes 0.00005; TOPMed 0.00008; 1000 Genomes Project 30x 0.00016; 1000 Genomes Project 0.00020; ExAC 0.00003; gnomAD 0.00004.
gnomAD v4.1: 76 of 1,601,554 alleles (0.0047%); highest among the groups gnomAD compares: Non-Finnish European, 0.0063%; no homozygotes.

Submission:

CeGaT Center for Human Genetics Tuebingen
Classification: Likely benign. Last evaluated: 2024-05-01. Review status: criteria provided, single submitter. Criteria: CeGaT Center For Human Genetics Tuebingen Variant Classification Criteria Version 2. Collection method: clinical testing. Allele origin: germline. Affected: yes. Observed: 1 variant allele.
Comment: DSCAM: BP4, BP7